The following is an entry in ClinVar:

ClinVar aggregate classification (germline): Benign. Review status: criteria provided, multiple submitters, no conflicts (2 of 4 stars). 3 submissions from 3 submitters: Benign (2). 1 of the submissions does not count toward it. Last evaluated 2019-12-31.

Conditions:
SETD1A-related disorder. Also called: SETD1A-related condition.

Allele frequency attached by ClinVar (database versions not stated): gnomAD exomes 0.00277 and 0.00406; ExAC 0.00563; 1000 Genomes Project 0.00998; 1000 Genomes Project 30x 0.01062; gnomAD 0.01153 and 0.01240; TOPMed 0.01267; ESP Exome Variant Server 0.01308.
gnomAD v4.1: 5,811 of 1,610,256 alleles (0.36%); highest among the groups gnomAD compares: African/African-American, 3.5%; 57 homozygotes.

Submissions (3):

Labcorp Genetics (formerly Invitae), Labcorp
Classification: Benign. Last evaluated: 2019-12-31. Review status: criteria provided, single submitter. Criteria: Invitae Variant Classification Sherloc (09022015). Collection method: clinical testing. Allele origin: germline.

Breakthrough Genomics
Classification: Benign. Review status: criteria provided, single submitter. Criteria: ACMG Guidelines, 2015. Collection method: not provided. Allele origin: germline. Inheritance: Autosomal dominant inheritance. Affected: yes.

PreventionGenetics, part of Exact Sciences
Classification: Benign for SETD1A-related condition. Last evaluated: 2019-12-05. Review status: no assertion criteria provided. Collection method: clinical testing. Allele origin: germline. Not counted in ClinVar's aggregate classification.
Comment: This variant is classified as benign based on ACMG/AMP sequence variant interpretation guidelines (Richards et al. 2015 PMID: 25741868, with internal and published modifications).

NM_014712.3(SETD1A):c.2922G>A (p.Ser974=)

Gene: SETD1A (SET domain containing 1A, histone lysine methyltransferase; plus strand). Cytogenetic location: 16p11.2.
Variant type: single nucleotide variant.
Coding change: c.2922G>A on transcript NM_014712.3 (MANE Select); coding-DNA position 2922, G replaced by A.
Protein change: p.Ser974=; no amino-acid change (serine 974 retained).
Molecular consequence: synonymous variant.
Genome position (GRCh38, 1-based): chr16:30,969,456, G>A. VCF-style: chr16-30969456-G-A. GRCh37 (hg19) VCF-style: chr16-30980777-G-A.
Identifiers: ClinVar variation 774922 (VCV000774922.7), dbSNP rs76415929, ClinGen allele CA8017075.